The following is an entry in ClinVar:

NM_000384.3(APOB):c.10819C>T (p.Pro3607Ser)

Gene: APOB (apolipoprotein B; minus strand). Cytogenetic location: 2p24.1.
Variant type: single nucleotide variant.
Coding change: c.10819C>T on transcript NM_000384.3 (MANE Select); coding-DNA position 10819, C replaced by T.
Protein change: p.Pro3607Ser; replaces proline 3607 with serine.
Molecular consequence: missense variant.
Genome position (GRCh38, 1-based): chr2:21,006,049, G>A on the plus strand (C>T on the coding strand, the complement: APOB is on the minus strand). VCF-style: chr2-21006049-G-A. GRCh37 (hg19) VCF-style: chr2-21228921-G-A.
Other names: c.10819C>T (NM_000384.2); short protein forms P3607S.
Identifiers: ClinVar variation 3895985 (VCV003895985.2).
Genomic context (GRCh38, chr2:21,006,049, plus strand): 5'-TAGTGTTAGCATTCAGGGCCACTTCCTGGCCAAGGTCAGGGAAATCATGGAAGGAACTGG[G>A]CTGACTTGCATGGACCTGAACAAGAGCTGACATTTGCCATGGAGAGAGTTCCAGGGTGGC-3'
Protein context (NP_000375.3, residues 3597-3617): SALVQVHASQ[Pro3607Ser]SSFHDFPDLG

ClinVar aggregate classification (germline): Uncertain significance. Review status: criteria provided, multiple submitters, no conflicts (2 of 4 stars). 2 submissions from 2 submitters: Uncertain significance (2). Last evaluated 2026-05-13.

Conditions:
Cardiovascular phenotype. Identifiers: MedGen CN230736.

gnomAD v4.1: 1 of 1,614,028 alleles (0.000062%); highest among the groups gnomAD compares: Non-Finnish European, 0.000085%; no homozygotes.

Submissions (2):

Ambry Genetics
Classification: Uncertain significance for Cardiovascular phenotype. Last evaluated: 2026-05-13. Review status: criteria provided, single submitter. Criteria: Ambry Variant Classification Scheme 2023. Collection method: clinical testing. Allele origin: germline.
Comment: The p.P3607S variant (also known as c.10819C>T), located in coding exon 26 of the APOB gene, results from a C to T substitution at nucleotide position 10819. The proline at codon 3607 is replaced by serine, an amino acid with similar properties. This variant was reported in individual(s) with features consistent with familial hypercholesterolemia (FH) (Di Taranto MD et al. Clin Genet, 2021 Nov;100:529-541). This amino acid position is not well conserved in available vertebrate species. In addition, this alteration is predicted to be tolerated by in silico analysis. Based on the available evidence, the clinical significance of this variant remains unclear.

Women's Health and Genetics/Laboratory Corporation of America, LabCorp
Classification: Uncertain significance. Last evaluated: 2025-03-24. Review status: criteria provided, single submitter. Criteria: LabCorp Variant Classification Summary - May 2015. Collection method: clinical testing. Allele origin: germline.
Comment: Variant summary: APOB c.10819C>T (p.Pro3607Ser) results in a non-conservative amino acid change in the encoded protein sequence. Four of five in-silico tools predict a benign effect of the variant on protein function. The variant was absent in 251092 control chromosomes. The available data on variant occurrences in the general population are insufficient to allow any conclusion about variant significance. c.10819C>T has been reported in the literature in at-least one individual affected with Familial Hypercholesterolemia, without strong evidence of causality (example: Di Taranto_2021). These report(s) do not provide unequivocal conclusions about association of the variant with Familial Hypercholesterolemia. To our knowledge, no experimental evidence demonstrating an impact on protein function has been reported. The following publication have been ascertained in the context of this evaluation (PMID: 34297352). No submitters have cited clinical-significance assessments for this variant to ClinVar. Based on the evidence outlined above, the variant was classified as uncertain significance.

Literature cited by the submitters: PubMed 34297352 (cited by Ambry Genetics and Women's Health and Genetics/Laboratory Corporation of America, LabCorp).